The following is an entry in ClinVar:

NM_016188.5(ACTL6B):c.245T>C (p.Met82Thr)

Gene: ACTL6B (actin like 6B; minus strand). Cytogenetic location: 7q22.1.
Variant type: single nucleotide variant.
Coding change: c.245T>C on transcript NM_016188.5 (MANE Select); coding-DNA position 245, T replaced by C.
Protein change: p.Met82Thr; replaces methionine 82 with threonine.
Molecular consequence: missense variant. On other transcripts: non-coding transcript variant (1).
Genome position (GRCh38, 1-based): chr7:100,655,444, A>G on the plus strand (T>C on the coding strand, the complement: ACTL6B is on the minus strand). VCF-style: chr7-100655444-A-G. GRCh37 (hg19) VCF-style: chr7-100253067-A-G.
Other names: short protein forms M82T.
Identifiers: ClinVar variation 3896203 (VCV003896203.2).

ClinVar aggregate classification (germline): Uncertain significance (1 of 4 stars; one submission).

Submission:

Women's Health and Genetics/Laboratory Corporation of America, LabCorp
Classification: Uncertain significance. Last evaluated: 2025-04-17. Review status: criteria provided, single submitter. Criteria: LabCorp Variant Classification Summary - May 2015. Collection method: clinical testing. Allele origin: germline.
Comment: Variant summary: ACTL6B c.245T>C (p.Met82Thr) results in a non-conservative amino acid change in the encoded protein sequence. Three of five in-silico tools predict a benign effect of the variant on protein function. The variant allele was found at a frequency of 4e-06 in 251120 control chromosomes. The available data on variant occurrences in the general population are insufficient to allow any conclusion about variant significance. To our knowledge, no occurrence of c.245T>C in individuals affected with ACTL6B-Related Disorders and no experimental evidence demonstrating its impact on protein function have been reported. No submitters have cited clinical-significance assessments for this variant to ClinVar. Based on the evidence outlined above, the variant was classified as uncertain significance.